The following is an entry in ClinVar:

ClinVar aggregate classification (germline): Uncertain significance (1 of 4 stars; one submission).

Conditions:
Asphyxiating thoracic dystrophy 5 (SRTD5). Also called: SHORT-RIB THORACIC DYSPLASIA 5 WITH OR WITHOUT POLYDACTYLY; SHORT-RIB THORACIC DYSPLASIA 5 WITHOUT POLYDACTYLY. Identifiers: Orphanet 474, MedGen C3280598, MONDO:0013717, OMIM 614376.
Senior-Loken syndrome 8 (SLSN8). Identifiers: Orphanet 3156, MedGen C4225376, MONDO:0014579, OMIM 616307.

Allele frequency attached by ClinVar (database versions not stated): gnomAD 0.00001; gnomAD exomes 0.00001; TOPMed 0.00001; ESP Exome Variant Server 0.00008.
gnomAD v4.1: 13 of 1,613,838 alleles (0.00081%); highest among the groups gnomAD compares: East Asian, 0.0022%; no homozygotes.

Submission:

Labcorp Genetics (formerly Invitae), Labcorp
Classification: Uncertain significance for Senior-Loken syndrome 8; Asphyxiating thoracic dystrophy 5. Last evaluated: 2025-07-28. Review status: criteria provided, single submitter. Criteria: Invitae Variant Classification Sherloc (09022015). Collection method: clinical testing. Allele origin: germline.
Comment: This sequence change replaces arginine, which is basic and polar, with glutamine, which is neutral and polar, at codon 829 of the WDR19 protein (p.Arg829Gln). This variant is present in population databases (rs375285886, gnomAD 0.0009%). This variant has not been reported in the literature in individuals affected with WDR19-related conditions. ClinVar contains an entry for this variant (Variation ID: 2198666). Invitae Evidence Modeling of protein sequence and biophysical properties (such as structural, functional, and spatial information, amino acid conservation, physicochemical variation, residue mobility, and thermodynamic stability) indicates that this missense variant is not expected to disrupt WDR19 protein function with a negative predictive value of 80%. In summary, the available evidence is currently insufficient to determine the role of this variant in disease. Therefore, it has been classified as a Variant of Uncertain Significance.

NM_025132.4(WDR19):c.2486G>A (p.Arg829Gln)

Gene: WDR19 (WD repeat domain 19; plus strand). Cytogenetic location: 4p14.
Variant type: single nucleotide variant.
Coding change: c.2486G>A on transcript NM_025132.4 (MANE Select); coding-DNA position 2486, G replaced by A.
Protein change: p.Arg829Gln; replaces arginine 829 with glutamine.
Molecular consequence: missense variant.
Genome position (GRCh38, 1-based): chr4:39,244,312, G>A. VCF-style: chr4-39244312-G-A. GRCh37 (hg19) VCF-style: chr4-39245932-G-A.
Other names: c.2006G>A, p.Arg669Gln (NM_001317924.2); short protein forms R669Q, R829Q.
Identifiers: ClinVar variation 2198666 (VCV002198666.4), dbSNP rs375285886, ClinGen allele CA95682000.